The following is an entry in ClinVar:

ClinVar aggregate classification (germline): Likely benign (0 of 4 stars; one submission).

Conditions:
LRIG2-related disorder. Also called: LRIG2-related condition.

Allele frequency attached by ClinVar (database versions not stated): TOPMed 0.00001; gnomAD exomes 0.00002; gnomAD 0.00004; ExAC 0.00007; 1000 Genomes Project 30x 0.00016; 1000 Genomes Project 0.00020.
gnomAD v4.1: 42 of 1,612,820 alleles (0.0026%); highest among the groups gnomAD compares: South Asian, 0.039%; 1 homozygote.

Submission:

PreventionGenetics, part of Exact Sciences
Classification: Likely benign for LRIG2-related condition. Last evaluated: 2019-07-03. Review status: no assertion criteria provided. Collection method: clinical testing. Allele origin: germline.
Comment: This variant is classified as likely benign based on ACMG/AMP sequence variant interpretation guidelines (Richards et al. 2015 PMID: 25741868, with internal and published modifications).

NM_014813.3(LRIG2):c.561C>T (p.Phe187=)

Gene: LRIG2 (leucine rich repeats and immunoglobulin like domains 2; plus strand). Cytogenetic location: 1p13.2.
Variant type: single nucleotide variant.
Coding change: c.561C>T on transcript NM_014813.3 (MANE Select); coding-DNA position 561, C replaced by T.
Protein change: p.Phe187=; no amino-acid change (phenylalanine 187 retained).
Molecular consequence: synonymous variant.
Genome position (GRCh38, 1-based): chr1:113,094,384, C>T. VCF-style: chr1-113094384-C-T. GRCh37 (hg19) VCF-style: chr1-113637006-C-T.
Other names: c.252C>T, p.Phe84= (NM_001312686.2).
Identifiers: ClinVar variation 3042713 (VCV003042713.2), dbSNP rs577814823, ClinGen allele CA1011733.